The following is an entry in ClinVar:

NM_000136.3(FANCC):c.1067C>A (p.Pro356His)

Genes: FANCC (FA complementation group C; minus strand), AOPEP (aminopeptidase O (putative); plus strand). Cytogenetic location: 9q22.32.
Variant type: single nucleotide variant.
Coding change: c.1067C>A on transcript NM_000136.3 (MANE Select); coding-DNA position 1067, C replaced by A.
Protein change: p.Pro356His; replaces proline 356 with histidine.
Molecular consequence: missense variant.
Genome position (GRCh38, 1-based): chr9:95,117,320, G>T on the plus strand (C>A on the coding strand, the complement: FANCC is on the minus strand). VCF-style: chr9-95117320-G-T. GRCh37 (hg19) VCF-style: chr9-97879602-G-T.
Other names: c.1067C>A, p.Pro356His (NM_001243743.2, NM_001243744.2); short protein forms P356H.
Identifiers: ClinVar variation 409658 (VCV000409658.12), dbSNP rs1060502517, ClinGen allele CA16612891.

ClinVar aggregate classification (germline): Uncertain significance. Review status: criteria provided, multiple submitters, no conflicts (2 of 4 stars). 4 submissions from 4 submitters: Uncertain significance (3). 1 of the submissions does not count toward it. Last evaluated 2023-02-28.

Conditions:
Fanconi anemia (FA). Also called: Fanconi's anemia. Identifiers: Orphanet 84, MedGen C0015625, MeSH D005199, MONDO:0019391.
Hereditary cancer-predisposing syndrome. Also called: Tumor predisposition; Hereditary Cancer Syndrome; Hereditary neoplastic syndrome; Neoplastic Syndromes, Hereditary. Identifiers: Orphanet 140162, MedGen C0027672, MeSH D009386, MONDO:0015356.
Fanconi anemia complementation group C (FANCC). Also called: FANCONI PANCYTOPENIA, TYPE 3; FACC; FANCC-Related Fanconi Anemia; Fanconi anemia, group C. Identifiers: Orphanet 84, MedGen C3468041, MONDO:0009213, OMIM 227645.

Allele frequency attached by ClinVar (database versions not stated): gnomAD exomes below 0.00001.
gnomAD v4.1: 2 of 1,614,008 alleles (0.00012%); highest among the groups gnomAD compares: Admixed American, 0.0017%; no homozygotes.

Submissions (4):

Ambry Genetics
Classification: Uncertain significance for Hereditary cancer-predisposing syndrome. Last evaluated: 2023-02-28. Review status: criteria provided, single submitter. Criteria: Ambry Variant Classification Scheme 2023. Collection method: clinical testing. Allele origin: germline.
Comment: The p.P356H variant (also known as c.1067C>A), located in coding exon 10 of the FANCC gene, results from a C to A substitution at nucleotide position 1067. The proline at codon 356 is replaced by histidine, an amino acid with similar properties. This amino acid position is conserved. In addition, the in silico prediction for this alteration is inconclusive. Since supporting evidence is limited at this time, the clinical significance of this alteration remains unclear.

Fulgent Genetics
Classification: Uncertain significance for Fanconi anemia complementation group C. Last evaluated: 2021-11-12. Review status: criteria provided, single submitter. Criteria: ACMG Guidelines, 2015. Collection method: clinical testing. Allele origin: unknown.

Labcorp Genetics (formerly Invitae), Labcorp
Classification: Uncertain significance for Fanconi anemia. Last evaluated: 2021-08-24. Review status: criteria provided, single submitter. Criteria: Invitae Variant Classification Sherloc (09022015). Collection method: clinical testing. Allele origin: germline.
Comment: This sequence change replaces proline with histidine at codon 356 of the FANCC protein (p.Pro356His). The proline residue is highly conserved and there is a moderate physicochemical difference between proline and histidine. This variant is not present in population databases (ExAC no frequency). This variant has not been reported in the literature in individuals affected with FANCC-related conditions. Algorithms developed to predict the effect of missense changes on protein structure and function (SIFT, PolyPhen-2, Align-GVGD) all suggest that this variant is likely to be disruptive. In summary, the available evidence is currently insufficient to determine the role of this variant in disease. Therefore, it has been classified as a Variant of Uncertain Significance.

Natera, Inc.
Classification: Uncertain significance for Fanconi anemia. Last evaluated: 2018-12-17. Review status: no assertion criteria provided. Collection method: clinical testing. Allele origin: germline. Not counted in ClinVar's aggregate classification.